The following is an entry in ClinVar:

ClinVar aggregate classification (germline): Uncertain significance (1 of 4 stars; one submission).

Conditions:
Cardiovascular phenotype. Identifiers: MedGen CN230736.

Submission:

Ambry Genetics
Classification: Uncertain significance for Cardiovascular phenotype. Last evaluated: 2025-07-24. Review status: criteria provided, single submitter. Criteria: Ambry Variant Classification Scheme 2023. Collection method: clinical testing. Allele origin: germline.
Comment: The p.I103F variant (also known as c.307A>T), located in coding exon 3 of the ABCG8 gene, results from an A to T substitution at nucleotide position 307. The isoleucine at codon 103 is replaced by phenylalanine, an amino acid with highly similar properties. This amino acid position is conserved. In addition, this alteration is predicted to be tolerated by in silico analysis. Based on the available evidence, the clinical significance of this variant remains unclear.

NM_022437.3(ABCG8):c.307A>T (p.Ile103Phe)

Gene: ABCG8 (ATP binding cassette subfamily G member 8; plus strand). Cytogenetic location: 2p21.
Variant type: single nucleotide variant.
Coding change: c.307A>T on transcript NM_022437.3 (MANE Select); coding-DNA position 307, A replaced by T.
Protein change: p.Ile103Phe; replaces isoleucine 103 with phenylalanine.
Molecular consequence: missense variant.
Genome position (GRCh38, 1-based): chr2:43,846,296, A>T. VCF-style: chr2-43846296-A-T. GRCh37 (hg19) VCF-style: chr2-44073435-A-T.
Other names: c.307A>T, p.Ile103Phe (NM_001357321.2); short protein forms I103F.
Identifiers: ClinVar variation 4150576 (VCV004150576.1).
Genomic context (GRCh38, chr2:43,846,296, plus strand): 5'-TCTTGTGAGCTGGGCATCCAGAACCTAAGCTTCAAAGTGAGAAGTGGGCAGATGCTGGCC[A>T]TCATAGGGAGCTCAGGTACCGGAAAGGCAAATCGCTGGGCAATGGTTTCTCTCCTGGGAT-3'
Protein context (NP_071882.1, residues 93-113): FKVRSGQMLA[Ile103Phe]IGSSGCGRAS